The following is an entry in ClinVar:

ClinVar aggregate classification (germline): Uncertain significance. Review status: criteria provided, multiple submitters, no conflicts (2 of 4 stars). 4 submissions from 4 submitters: Uncertain significance (4). Last evaluated 2025-09-09.

Conditions:
Inborn genetic diseases. Identifiers: MedGen C0950123, MeSH D030342.
Dyskeratosis congenita, autosomal recessive 5 (DKCB5). Identifiers: MedGen C3554656, MONDO:0014076, OMIM 615190.
Pulmonary fibrosis and/or bone marrow failure, Telomere-related, 3. Also called: PULMONARY FIBROSIS AND/OR BONE MARROW FAILURE SYNDROME, TELOMERE-RELATED, 3. Identifiers: Orphanet 2032, MedGen C4225346, MONDO:0014613, OMIM 616373.

Allele frequency attached by ClinVar (database versions not stated): TOPMed below 0.00001; gnomAD 0.00001; ExAC 0.00002; gnomAD exomes 0.00002.

Submissions (4):

Labcorp Genetics (formerly Invitae), Labcorp
Classification: Uncertain significance for Dyskeratosis congenita, autosomal recessive 5; Pulmonary fibrosis and/or bone marrow failure, Telomere-related, 3. Last evaluated: 2025-09-09. Review status: criteria provided, single submitter. Criteria: Invitae Variant Classification Sherloc (09022015). Collection method: clinical testing. Allele origin: germline.
Comment: This sequence change replaces alanine, which is neutral and non-polar, with valine, which is neutral and non-polar, at codon 353 of the RTEL1 protein (p.Ala353Val). This variant is present in population databases (rs762936013, gnomAD 0.004%). This variant has not been reported in the literature in individuals affected with RTEL1-related conditions. ClinVar contains an entry for this variant (Variation ID: 816670). An algorithm developed to predict the effect of missense changes on protein structure and function (PolyPhen-2) suggests that this variant is likely to be disruptive. In summary, the available evidence is currently insufficient to determine the role of this variant in disease. Therefore, it has been classified as a Variant of Uncertain Significance.

Ambry Genetics
Classification: Uncertain significance for Inborn genetic diseases. Last evaluated: 2024-11-21. Review status: criteria provided, single submitter. Criteria: Ambry Variant Classification Scheme 2023. Collection method: clinical testing. Allele origin: germline.
Comment: The p.A353V variant (also known as c.1058C>T), located in coding exon 12 of the RTEL1 gene, results from a C to T substitution at nucleotide position 1058. The alanine at codon 353 is replaced by valine, an amino acid with similar properties. This amino acid position is conserved. In addition, the in silico prediction for this alteration is inconclusive. Based on the available evidence, the clinical significance of this variant remains unclear.

Blueprint Genetics
Classification: Uncertain significance. Last evaluated: 2022-07-17. Review status: criteria provided, single submitter. Criteria: ACMG Guidelines, 2015. Collection method: clinical testing. Allele origin: germline.

Johns Hopkins Genomics, Johns Hopkins University
Classification: Uncertain significance for Pulmonary fibrosis and/or bone marrow failure, Telomere-related, 3. Last evaluated: 2019-09-19. Review status: criteria provided, single submitter. Criteria: ACMG Guidelines, 2015. Collection method: clinical testing. Allele origin: germline.
Comment: This RTEL1 variant (rs762936013) is present in large population datasets (gnomAD: 5/249370 total alleles; 0.002%; no homozygotes). Two bioinformatic tools queried predict that this substitution would be damaging, and the alanine residue at this position is highly evolutionarily conserved across the species assessed. The clinical significance of c.1058C>T is uncertain at this time.

NM_001283009.2(RTEL1):c.1058C>T (p.Ala353Val)

Genes: RTEL1 (regulator of telomere elongation helicase 1; plus strand), RTEL1-TNFRSF6B (RTEL1-TNFRSF6B readthrough (NMD candidate); plus strand). Cytogenetic location: 20q13.33.
Variant type: single nucleotide variant.
Coding change: c.1058C>T on transcript NM_001283009.2 (MANE Select); coding-DNA position 1058, C replaced by T.
Protein change: p.Ala353Val; replaces alanine 353 with valine.
Molecular consequence: missense variant. On other transcripts: non-coding transcript variant (1).
Genome position (GRCh38, 1-based): chr20:63,679,869, C>T. VCF-style: chr20-63679869-C-T. GRCh37 (hg19) VCF-style: chr20-62311222-C-T.
Other names: c.389C>T, p.Ala130Val (NM_001283010.1); c.1058C>T, p.Ala353Val (NM_016434.4); c.1130C>T, p.Ala377Val (NM_032957.5); short protein forms A130V, A353V, A377V.
Identifiers: ClinVar variation 816670 (VCV000816670.6), dbSNP rs762936013, ClinGen allele CA9964596.